The following is an entry in ClinVar:

NM_015046.7(SETX):c.2827G>C (p.Ala943Pro)

Gene: SETX (senataxin; minus strand). Cytogenetic location: 9q34.13.
Variant type: single nucleotide variant.
Coding change: c.2827G>C on transcript NM_015046.7 (MANE Select); coding-DNA position 2827, G replaced by C.
Protein change: p.Ala943Pro; replaces alanine 943 with proline.
Molecular consequence: missense variant.
Genome position (GRCh38, 1-based): chr9:132,328,771, C>G on the plus strand (G>C on the coding strand, the complement: SETX is on the minus strand). VCF-style: chr9-132328771-C-G. GRCh37 (hg19) VCF-style: chr9-135204158-C-G.
Other names: c.2827G>C, p.Ala943Pro (NM_001351527.2, NM_001351528.2); short protein forms A943P.
Identifiers: ClinVar variation 2951720 (VCV002951720.3), dbSNP rs1426397676, ClinGen allele CA375333612.

ClinVar aggregate classification (germline): Uncertain significance (1 of 4 stars; one submission).

Conditions:
Amyotrophic lateral sclerosis type 4 (ALS4). Also called: AMYOTROPHIC LATERAL SCLEROSIS 4, JUVENILE; NEURONOPATHY, DISTAL HEREDITARY MOTOR, WITH PYRAMIDAL FEATURES. Identifiers: Orphanet 357043, MedGen C1865409, MONDO:0011223, OMIM 602433.
Spinocerebellar ataxia, autosomal recessive, with axonal neuropathy 2 (SCAN2). Also called: ATAXIA-OCULOMOTOR APRAXIA 2; Ataxia-ocular apraxia-2; Ataxia with Oculomotor Apraxia Type 2; Ataxia with Oculomotor Apraxia. Identifiers: Orphanet 64753, MedGen C1853761, MONDO:0018996, OMIM 606002.

Allele frequency attached by ClinVar (database versions not stated): TOPMed 0.00002.

Submission:

Labcorp Genetics (formerly Invitae), Labcorp
Classification: Uncertain significance for Amyotrophic lateral sclerosis type 4; Spinocerebellar ataxia, autosomal recessive, with axonal neuropathy 2. Last evaluated: 2023-08-27. Review status: criteria provided, single submitter. Criteria: Invitae Variant Classification Sherloc (09022015). Collection method: clinical testing. Allele origin: germline.
Comment: Advanced modeling of protein sequence and biophysical properties (such as structural, functional, and spatial information, amino acid conservation, physicochemical variation, residue mobility, and thermodynamic stability) performed at Invitae indicates that this missense variant is not expected to disrupt SETX protein function. This variant has not been reported in the literature in individuals affected with SETX-related conditions. This variant is not present in population databases (gnomAD no frequency). This sequence change replaces alanine, which is neutral and non-polar, with proline, which is neutral and non-polar, at codon 943 of the SETX protein (p.Ala943Pro). In summary, the available evidence is currently insufficient to determine the role of this variant in disease. Therefore, it has been classified as a Variant of Uncertain Significance.